The following is an entry in ClinVar:

ClinVar aggregate classification (germline): Uncertain significance (1 of 4 stars; one submission).

Conditions:
NR0B2-related disorder. Also called: NR0B2-related condition.

Submission:

PreventionGenetics, part of Exact Sciences
Classification: Uncertain significance for NR0B2-related condition. Last evaluated: 2026-02-26. Review status: criteria provided, single submitter. Criteria: ACMG Guidelines, 2015. Collection method: clinical testing. Allele origin: germline.
Comment: The NR0B2 c.286T>C variant is predicted to result in the amino acid substitution p.Phe96Leu. To our knowledge, this variant has not been reported in the literature or in a large population database (gnomAD), indicating this variant is rare. At this time, the clinical significance of this variant is uncertain due to the absence of conclusive functional and genetic evidence.

NM_021969.3(NR0B2):c.286T>C (p.Phe96Leu)

Genes: NR0B2 (nuclear receptor subfamily 0 group B member 2; minus strand), NUDC (nuclear distribution C, dynein complex regulator; plus strand). Cytogenetic location: 1p36.11.
Variant type: single nucleotide variant.
Coding change: c.286T>C on transcript NM_021969.3 (MANE Select); coding-DNA position 286, T replaced by C.
Protein change: p.Phe96Leu; replaces phenylalanine 96 with leucine.
Molecular consequence: missense variant.
Genome position (GRCh38, 1-based): chr1:26,913,655, A>G on the plus strand (T>C on the coding strand, the complement: NR0B2 is on the minus strand). VCF-style: chr1-26913655-A-G. GRCh37 (hg19) VCF-style: chr1-27240146-A-G.
Other names: short protein forms F96L.
Identifiers: ClinVar variation 4986164 (VCV004986164.1).
Genomic context (GRCh38, chr1:26,913,655, plus strand): 5'-TGGGCACCGGGGCCTCAGCCACCTCAAAGGTCACAGCATCTTGGGCCAACCCAAGCAGGA[A>G]GAGGGGGCCCCAGCAACCCTGCAGCAGCCGCCGCTGGTCCTGGGGAGGCAGCTGCCAGAA-3'
Protein context (NP_068804.1, residues 86-106): RLLQGCWGPL[Phe96Leu]LLGLAQDAVT